The following is an entry in ClinVar:

NM_004656.4(BAP1):c.932-1G>T

Gene: BAP1 (BRCA1 associated deubiquitinase 1; minus strand). Cytogenetic location: 3p21.1.
Variant type: single nucleotide variant.
Coding change: c.932-1G>T on transcript NM_004656.4 (MANE Select); the canonical splice acceptor site of the intron before coding-DNA position 932, G replaced by T.
Molecular consequence: splice acceptor variant.
Genome position (GRCh38, 1-based): chr3:52,405,295, C>A on the plus strand (G>T on the coding strand, the complement: BAP1 is on the minus strand). VCF-style: chr3-52405295-C-A. GRCh37 (hg19) VCF-style: chr3-52439311-C-A.
Other names: NM_004656.4:c.932-1G>T; c.878-1G>T (NM_001410772.1).
Identifiers: ClinVar variation 1504011 (VCV001504011.10), dbSNP rs9848343, ClinGen allele CA353106396.

ClinVar aggregate classification (germline): Likely pathogenic (1 of 4 stars; one submission).

Conditions:
BAP1-related tumor predisposition syndrome (TPDS1). Also called: COMMON Syndrome; Tumor susceptibility linked to germline BAP1 mutations; BAP1 tumor predisposition syndrome; TUMOR PREDISPOSITION SYNDROME 1. Identifiers: Orphanet 289539, MedGen C3280492, MONDO:0013692, OMIM 614327.

Submissions (3):

Labcorp Genetics (formerly Invitae), Labcorp
Classification: Likely pathogenic for BAP1-related tumor predisposition syndrome. Last evaluated: 2021-11-13. Review status: criteria provided, single submitter. Criteria: Invitae Variant Classification Sherloc (09022015). Collection method: clinical testing. Allele origin: germline.
Comment: In summary, the currently available evidence indicates that the variant is pathogenic, but additional data are needed to prove that conclusively. Therefore, this variant has been classified as Likely Pathogenic. Studies have shown that disruption of this splice site results in skipping of exon 11 and introduces a premature termination codon (Invitae). The resulting mRNA is expected to undergo nonsense-mediated decay. This variant has not been reported in the literature in individuals affected with BAP1-related conditions. This variant is not present in population databases (gnomAD no frequency). This sequence change affects an acceptor splice site in intron 10 of the BAP1 gene. RNA analysis indicates that disruption of this splice site induces altered splicing and may result in an absent or disrupted protein product.

Dr. Peter K. Rogan Lab, Western University
No classification provided (evidence only). Condition: Clear cell carcinoma of kidney. Review status: no classification provided. Collection method: in vitro. Allele origin: not applicable. Functional consequence: cryptic splice site, skipped exon, retained intron. Not counted in ClinVar's aggregate classification.

MutSpliceDB: a database of splice sites variants effects on splicing, NIH
No classification provided (evidence only). Review status: no classification provided. Collection method: in vivo. Allele origin: not applicable. Functional consequence: retained intron. Not counted in ClinVar's aggregate classification.